The following is an entry in ClinVar:

NM_001039213.4(CEACAM16):c.315C>T (p.Thr105=)

Genes: CEACAM16 (CEA cell adhesion molecule 16, tectorial membrane component; plus strand), CEACAM16-AS1 (CEACAM16, CEACAM19 and PVR antisense RNA 1; minus strand). Cytogenetic location: 19q13.32.
Variant type: single nucleotide variant.
Coding change: c.315C>T on transcript NM_001039213.4 (MANE Select); coding-DNA position 315, C replaced by T.
Protein change: p.Thr105=; no amino-acid change (threonine 105 retained).
Molecular consequence: synonymous variant.
Genome position (GRCh38, 1-based): chr19:44,703,626, C>T. VCF-style: chr19-44703626-C-T. GRCh37 (hg19) VCF-style: chr19-45206896-C-T.
Other names: c.315C>T (NM_001039213.3).
Identifiers: ClinVar variation 3604807 (VCV003604807.3).
Genomic context (GRCh38, chr19:44,703,626, plus strand): 5'-GGCTGTGCGCCCCGATGGCAGCCTGGACATCCAGGGCATCCTGCCCCGGCACTCAGGCAC[C>T]TACATCCTGCAGACCTTCAACAGGCAGTTGCAGACCGAGGTGGGCTACGGACACGTGCAG-3'
Protein context (NP_001034302.2, residues 95-115): IQGILPRHSG[Thr105=]YILQTFNRQL

ClinVar aggregate classification (germline): Conflicting classifications of pathogenicity. Review status: criteria provided, conflicting classifications (1 of 4 stars). 2 submissions from 2 submitters: Uncertain significance (1); Likely benign (1). Last evaluated 2025-05-16.

Submissions (2):

GeneDx
Classification: Uncertain significance. Last evaluated: 2025-05-16. Review status: criteria provided, single submitter. Criteria: GeneDx Variant Classification Process June 2021. Collection method: clinical testing. Allele origin: germline. Affected: yes.
Comment: In silico analysis suggests that this variant does not alter splicing; Has not been previously published as pathogenic or benign to our knowledge

Labcorp Genetics (formerly Invitae), Labcorp
Classification: Likely benign. Last evaluated: 2024-02-28. Review status: criteria provided, single submitter. Criteria: Invitae Variant Classification Sherloc (09022015). Collection method: clinical testing. Allele origin: germline.